The following is an entry in ClinVar:

NM_001034853.2(RPGR):c.779-3C>G

Gene: RPGR (retinitis pigmentosa GTPase regulator; minus strand). Cytogenetic location: Xp11.4.
Variant type: single nucleotide variant.
Coding change: c.779-3C>G on transcript NM_001034853.2 (MANE Select); 3 bases into the intron before coding-DNA position 779, C replaced by G.
Molecular consequence: intron variant.
Genome position (GRCh38, 1-based): chrX:38,304,793, G>C on the plus strand (C>G on the coding strand, the complement: RPGR is on the minus strand). VCF-style: chrX-38304793-G-C. GRCh37 (hg19) VCF-style: chrX-38164046-G-C.
Other names: c.779-3C>G (NM_000328.3, NM_001367251.1, NM_001367246.1 and 1 more transcripts); c.809-3C>G (NM_001367248.1); c.776-3C>G (NM_001367249.1, NM_001367250.1, NM_001367245.1).
Identifiers: ClinVar variation 4726467 (VCV004726467.1).
Genomic context (GRCh38, chrX:38,304,793, plus strand): 5'-AAAGTGCCAAGACCCAGCTGACCAAATTGTCCCAGCCCAAAGGTATACACAGCATTCTCT[G>C]AAAGGAAAGGGGCAAATACAAGACAAGGATTATGGAAGCAGACACTGTTACCATCATATC-3'

ClinVar aggregate classification (germline): Uncertain significance (1 of 4 stars; one submission).

Conditions:
Primary ciliary dyskinesia. Also called: Ciliary dyskinesia. Identifiers: Orphanet 244, MedGen C0008780, MONDO:0016575, HP:0012265.

Submission:

Labcorp Genetics (formerly Invitae), Labcorp
Classification: Uncertain significance for Primary ciliary dyskinesia. Last evaluated: 2025-09-01. Review status: criteria provided, single submitter. Criteria: Invitae Variant Classification Sherloc (09022015). Collection method: clinical testing. Allele origin: germline.
Comment: This sequence change falls in intron 7 of the RPGR gene. It does not directly change the encoded amino acid sequence of the RPGR protein. It affects a nucleotide within the consensus splice site. This variant is not present in population databases (gnomAD no frequency). This variant has been observed in individual(s) with clinical features of retinitis pigmentosa (internal data). Variants that disrupt the consensus splice site are a relatively common cause of aberrant splicing (PMID: 17576681, 9536098). Algorithms developed to predict the effect of sequence changes on RNA splicing suggest that this variant may disrupt the consensus splice site. In summary, the available evidence is currently insufficient to determine the role of this variant in disease. Therefore, it has been classified as a Variant of Uncertain Significance.

Literature cited by the submitters: PubMed 17576681; PubMed 9536098.